The following is an entry in ClinVar:

NM_194248.3(OTOF):c.2252C>T (p.Thr751Met)

Genes: OTOF (otoferlin; minus strand), LOC129933334 (ATAC-STARR-seq lymphoblastoid active region 15473; plus strand). Cytogenetic location: 2p23.3.
Variant type: single nucleotide variant.
Coding change: c.2252C>T on transcript NM_194248.3 (MANE Select); coding-DNA position 2252, C replaced by T.
Protein change: p.Thr751Met; replaces threonine 751 with methionine.
Molecular consequence: missense variant.
Genome position (GRCh38, 1-based): chr2:26,477,712, G>A on the plus strand (C>T on the coding strand, the complement: OTOF is on the minus strand). VCF-style: chr2-26477712-G-A. GRCh37 (hg19) VCF-style: chr2-26700580-G-A.
Other names: c.2252C>T, p.Thr751Met (NM_001287489.2); c.11C>T, p.Thr4Met (NM_004802.4, NM_194323.3); c.182C>T, p.Thr61Met (NM_194322.3); short protein forms T61M, T751M, T4M.
Identifiers: ClinVar variation 164866 (VCV000164866.15), dbSNP rs727503359, ClinGen allele CA177555.

ClinVar aggregate classification (germline): Conflicting classifications of pathogenicity. Review status: criteria provided, conflicting classifications (1 of 4 stars). 5 submissions from 5 submitters: Uncertain significance (4); Likely benign (1). Last evaluated 2025-09-09.

Conditions:
OTOF-related disorder. Also called: OTOF-related condition.
Inborn genetic diseases. Identifiers: MedGen C0950123, MeSH D030342.
Autosomal recessive nonsyndromic hearing loss 9. Also called: Deafness, autosomal recessive 9; AUDITORY NEUROPATHY, AUTOSOMAL RECESSIVE, 1, TEMPERATURE-SENSITIVE; NEUROSENSORY NONSYNDROMIC RECESSIVE DEAFNESS 9; OTOF-Related Hearing Loss. Identifiers: Orphanet 90636, MedGen C1832828, MONDO:0010986, OMIM 601071.

Allele frequency attached by ClinVar (database versions not stated): gnomAD exomes 0.00012; TOPMed 0.00015; gnomAD 0.00019 and 0.00021.
gnomAD v4.1: 104 of 1,612,588 alleles (0.0064%); highest among the groups gnomAD compares: Admixed American, 0.085%; no homozygotes.

Submissions (5):

PreventionGenetics, part of Exact Sciences
Classification: Uncertain significance for OTOF-related condition. Last evaluated: 2025-09-09. Review status: criteria provided, single submitter. Criteria: ACMG Guidelines, 2015. Collection method: clinical testing. Allele origin: germline.
Comment: The OTOF c.2252C>T variant is predicted to result in the amino acid substitution p.Thr751Met. To our knowledge, this variant has not been reported in the literature. This variant is reported in 0.068% of alleles in individuals of Latino descent in gnomAD. Although we suspect that this variant may be benign, at this time, the clinical significance of this variant is uncertain due to the absence of conclusive functional and genetic evidence.

Labcorp Genetics (formerly Invitae), Labcorp
Classification: Likely benign. Last evaluated: 2025-06-12. Review status: criteria provided, single submitter. Criteria: Invitae Variant Classification Sherloc (09022015). Collection method: clinical testing. Allele origin: germline.

Ambry Genetics
Classification: Uncertain significance for Inborn genetic diseases. Last evaluated: 2021-06-11. Review status: criteria provided, single submitter. Criteria: Ambry Variant Classification Scheme 2023. Collection method: clinical testing. Allele origin: germline.

Illumina Laboratory Services, Illumina
Classification: Uncertain significance for Autosomal recessive nonsyndromic hearing loss 9. Last evaluated: 2018-01-12. Review status: criteria provided, single submitter. Criteria: ICSL Variant Classification Criteria 13 December 2019. Collection method: clinical testing. Allele origin: germline.

Laboratory for Molecular Medicine, Mass General Brigham Personalized Medicine
Classification: Uncertain significance. Last evaluated: 2013-10-17. Review status: criteria provided, single submitter. Criteria: LMM Criteria. Collection method: clinical testing. Allele origin: germline. Observed: 1 variant allele.
Comment: The Thr61Met variant in the OTOF gene has not been previously reported in indivi duals with hearing loss or in large population studies. Computational analyses ( biochemical amino acid properties, conservation, AlignGVGD, PolyPhen2, and SIFT) suggest that the variant may impact the protein, though this information is not predictive enough to assume pathogenicity. In summary, additional data is neede d to determine the clinical significance of this variant.